The following is an entry in ClinVar:

ClinVar aggregate classification (germline): Uncertain significance. Review status: criteria provided, multiple submitters, no conflicts (2 of 4 stars). 2 submissions from 2 submitters: Uncertain significance (2). Last evaluated 2025-12-03.

Conditions:
Inborn genetic diseases. Identifiers: MedGen C0950123, MeSH D030342.

gnomAD v4.1: 5 of 1,614,020 alleles (0.00031%); highest among the groups gnomAD compares: Non-Finnish European, 0.00042%; no homozygotes.

Submissions (2):

Labcorp Genetics (formerly Invitae), Labcorp
Classification: Uncertain significance. Last evaluated: 2025-12-03. Review status: criteria provided, single submitter. Criteria: Invitae Variant Classification Sherloc (09022015). Collection method: clinical testing. Allele origin: germline.
Comment: This sequence change replaces asparagine, which is neutral and polar, with lysine, which is basic and polar, at codon 75 of the CNNM4 protein (p.Asn75Lys). This variant is present in population databases (no rsID available, gnomAD 0.0009%). This variant has not been reported in the literature in individuals affected with CNNM4-related conditions. ClinVar contains an entry for this variant (Variation ID: 3607559). An algorithm developed to predict the effect of missense changes on protein structure and function (PolyPhen-2) suggests that this variant is likely to be tolerated. In summary, the available evidence is currently insufficient to determine the role of this variant in disease. Therefore, it has been classified as a Variant of Uncertain Significance.

Ambry Genetics
Classification: Uncertain significance for Inborn genetic diseases. Last evaluated: 2025-08-21. Review status: criteria provided, single submitter. Criteria: Ambry Variant Classification Scheme 2023. Collection method: clinical testing. Allele origin: germline.

NM_020184.4(CNNM4):c.225C>A (p.Asn75Lys)

Gene: CNNM4 (cyclin and CBS domain divalent metal cation transport mediator 4; plus strand). Cytogenetic location: 2q11.2.
Variant type: single nucleotide variant.
Coding change: c.225C>A on transcript NM_020184.4 (MANE Select); coding-DNA position 225, C replaced by A.
Protein change: p.Asn75Lys; replaces asparagine 75 with lysine.
Molecular consequence: missense variant.
Genome position (GRCh38, 1-based): chr2:96,761,224, C>A. VCF-style: chr2-96761224-C-A. GRCh37 (hg19) VCF-style: chr2-97426961-C-A.
Other names: c.225C>A (NM_020184.3); short protein forms N75K.
Identifiers: ClinVar variation 3607559 (VCV003607559.3).